The following is an entry in ClinVar:

NM_003482.4(KMT2D):c.2239C>A (p.Pro747Thr)

Gene: KMT2D (lysine methyltransferase 2D; minus strand). Cytogenetic location: 12q13.12.
Variant type: single nucleotide variant.
Coding change: c.2239C>A on transcript NM_003482.4 (MANE Select); coding-DNA position 2239, C replaced by A.
Protein change: p.Pro747Thr; replaces proline 747 with threonine.
Molecular consequence: missense variant.
Genome position (GRCh38, 1-based): chr12:49,051,444, G>T on the plus strand (C>A on the coding strand, the complement: KMT2D is on the minus strand). VCF-style: chr12-49051444-G-T. GRCh37 (hg19) VCF-style: chr12-49445227-G-T.
Other names: short protein forms P747T.
Identifiers: ClinVar variation 3574853 (VCV003574853.3).
Genomic context (GRCh38, chr12:49,051,444, plus strand): 5'-CCTCAGCCTGCGGAGATAGGTGTGGCTCCTCAGGCCGGGGGGACAGGTGCGGCTCCTCAG[G>T]CCGGGGTGACAGGTGCGGCCCCTCGGACCGGGGGCAGAGTTGCGGCTCCTCAGGTAGTGG-3'
Protein context (NP_003473.3, residues 737-757): RSEGPHLSPR[Pro747Thr]EEPHLSPRPE

ClinVar aggregate classification (germline): Uncertain significance. Review status: criteria provided, multiple submitters, no conflicts (2 of 4 stars). 2 submissions from 2 submitters: Uncertain significance (2). Last evaluated 2024-11-28.

Conditions:
Kabuki syndrome. Also called: NIIKAWA-KUROKI SYNDROME; Kabuki make-up syndrome. Identifiers: Orphanet 2322, MedGen C0796004, MONDO:0016512.
Choanal atresia-athelia-hypothyroidism-delayed puberty-short stature syndrome (BCAHH). Also called: BRANCHIAL ARCH ABNORMALITIES, CHOANAL ATRESIA, ATHELIA, HEARING LOSS, AND HYPOTHYROIDISM SYNDROME. Identifiers: Orphanet 589856, MedGen C5680310, MONDO:0035651, OMIM 620186.
Kabuki syndrome 1 (KABUK1). Also called: KMT2D-Related Kabuki Syndrome. Identifiers: Orphanet 2322, MedGen CN030661, MONDO:0007843, OMIM 147920.

gnomAD v4.1: 1 of 1,611,850 alleles (0.000062%); highest among the groups gnomAD compares: Non-Finnish European, 0.000085%; no homozygotes.

Submissions (2):

Labcorp Genetics (formerly Invitae), Labcorp
Classification: Uncertain significance for Kabuki syndrome. Last evaluated: 2024-11-28. Review status: criteria provided, single submitter. Criteria: Invitae Variant Classification Sherloc (09022015). Collection method: clinical testing. Allele origin: germline.
Comment: This sequence change replaces proline, which is neutral and non-polar, with threonine, which is neutral and polar, at codon 747 of the KMT2D protein (p.Pro747Thr). This variant is not present in population databases (gnomAD no frequency). This variant has not been reported in the literature in individuals affected with KMT2D-related conditions. Invitae Evidence Modeling of protein sequence and biophysical properties (such as structural, functional, and spatial information, amino acid conservation, physicochemical variation, residue mobility, and thermodynamic stability) indicates that this missense variant is not expected to disrupt KMT2D protein function with a negative predictive value of 95%. In summary, the available evidence is currently insufficient to determine the role of this variant in disease. Therefore, it has been classified as a Variant of Uncertain Significance.

Fulgent Genetics
Classification: Uncertain significance for Kabuki syndrome 1; Choanal atresia-athelia-hypothyroidism-delayed puberty-short stature syndrome. Last evaluated: 2024-06-17. Review status: criteria provided, single submitter. Criteria: ACMG Guidelines, 2015. Collection method: clinical testing. Allele origin: germline.